The following is an entry in ClinVar:

NM_080680.3(COL11A2):c.2638G>T (p.Gly880Ter)

Gene: COL11A2 (collagen type XI alpha 2 chain; minus strand). Cytogenetic location: 6p21.32.
Variant type: single nucleotide variant.
Coding change: c.2638G>T on transcript NM_080680.3 (MANE Select); coding-DNA position 2638, G replaced by T.
Protein change: p.Gly880Ter; replaces glycine 880 with a stop codon.
Molecular consequence: nonsense.
Genome position (GRCh38, 1-based): chr6:33,173,546, C>A on the plus strand (G>T on the coding strand, the complement: COL11A2 is on the minus strand). VCF-style: chr6-33173546-C-A. GRCh37 (hg19) VCF-style: chr6-33141323-C-A.
Other names: c.2317G>T, p.Gly773Ter (NM_080679.3); c.2380G>T, p.Gly794Ter (NM_080681.3); short protein forms G794*, G880*, G773*.
Identifiers: ClinVar variation 2158388 (VCV002158388.4), dbSNP rs2534941119, ClinGen allele CA363642017.

ClinVar aggregate classification (germline): Pathogenic (1 of 4 stars; one submission).

Submission:

Labcorp Genetics (formerly Invitae), Labcorp
Classification: Pathogenic. Last evaluated: 2022-04-28. Review status: criteria provided, single submitter. Criteria: Invitae Variant Classification Sherloc (09022015). Collection method: clinical testing. Allele origin: germline.
Comment: For these reasons, this variant has been classified as Pathogenic. This variant has not been reported in the literature in individuals affected with COL11A2-related conditions. This variant is not present in population databases (gnomAD no frequency). This sequence change creates a premature translational stop signal (p.Gly880*) in the COL11A2 gene. It is expected to result in an absent or disrupted protein product. Loss-of-function variants in COL11A2 are known to be pathogenic (PMID: 10677296, 21204229).

Literature cited by the submitters: PubMed 10677296; PubMed 21204229.